The following is an entry in ClinVar:

ClinVar aggregate classification (germline): Uncertain significance. Review status: criteria provided, multiple submitters, no conflicts (2 of 4 stars). 5 submissions from 5 submitters: Uncertain significance (5). Last evaluated 2024-05-02.

Conditions:
Inborn genetic diseases. Identifiers: MedGen C0950123, MeSH D030342.
Alpha-methylacyl-CoA racemase deficiency (AMACRD). Also called: AMACR deficiency. Identifiers: Orphanet 79095, MedGen C3280428, MONDO:0013681, OMIM 614307. Disease mechanism: loss of function.

Allele frequency attached by ClinVar (database versions not stated): gnomAD exomes 0.00001; TOPMed 0.00001.

Submissions (5):

Ambry Genetics
Classification: Uncertain significance for Inborn genetic diseases. Last evaluated: 2024-05-02. Review status: criteria provided, single submitter. Criteria: Ambry Variant Classification Scheme 2023. Collection method: clinical testing. Allele origin: germline.

Labcorp Genetics (formerly Invitae), Labcorp
Classification: Uncertain significance for Alpha-methylacyl-CoA racemase deficiency. Last evaluated: 2022-06-08. Review status: criteria provided, single submitter. Criteria: Invitae Variant Classification Sherloc (09022015). Collection method: clinical testing. Allele origin: germline.
Comment: This sequence change replaces leucine, which is neutral and non-polar, with isoleucine, which is neutral and non-polar, at codon 149 of the AMACR protein (p.Leu149Ile). This variant is present in population databases (no rsID available, gnomAD 0.006%). This variant has not been reported in the literature in individuals affected with AMACR-related conditions. ClinVar contains an entry for this variant (Variation ID: 377239). Algorithms developed to predict the effect of missense changes on protein structure and function are either unavailable or do not agree on the potential impact of this missense change (SIFT: "Tolerated"; PolyPhen-2: "Probably Damaging"; Align-GVGD: "Class C0"). In summary, the available evidence is currently insufficient to determine the role of this variant in disease. Therefore, it has been classified as a Variant of Uncertain Significance.

Mayo Clinic Laboratories, Mayo Clinic
Classification: Uncertain significance. Last evaluated: 2022-02-24. Review status: criteria provided, single submitter. Criteria: ACMG Guidelines, 2015. Collection method: clinical testing. Allele origin: germline. Observed: 1 variant allele.
Comment: BP4, PM2

Knight Diagnostic Laboratories, Oregon Health and Sciences University
Classification: Uncertain significance. Last evaluated: 2019-06-19. Review status: criteria provided, single submitter. Criteria: ACMG Guidelines, 2015. Collection method: clinical testing. Allele origin: germline. Observed: 1 variant allele.

Center for Pediatric Genomic Medicine, Children's Mercy Hospital and Clinics
Classification: Uncertain significance. Last evaluated: 2016-08-02. Review status: criteria provided, single submitter. Criteria: ACMG Guidelines, 2015. Collection method: clinical testing. Allele origin: germline.
ClinVar note: Converted during submission from Uncertain Significance to Uncertain significance.

NM_014324.6(AMACR):c.445C>A (p.Leu149Ile)

Genes: C1QTNF3-AMACR (C1QTNF3-AMACR readthrough (NMD candidate); minus strand), AMACR (alpha-methylacyl-CoA racemase; minus strand). Cytogenetic location: 5p13.2.
Variant type: single nucleotide variant.
Coding change: c.445C>A on transcript NM_014324.6 (MANE Select); coding-DNA position 445, C replaced by A.
Protein change: p.Leu149Ile; replaces leucine 149 with isoleucine.
Molecular consequence: missense variant. On other transcripts: intron variant (1).
Genome position (GRCh38, 1-based): chr5:34,004,681, G>T on the plus strand (C>A on the coding strand, the complement: AMACR is on the minus strand). VCF-style: chr5-34004681-G-T. GRCh37 (hg19) VCF-style: chr5-34004786-G-T.
Other names: p.Leu149Ile; c.445C>A (NM_014324.5); c.445C>A, p.Leu149Ile (NM_001167595.2); c.391+1075C>A (NM_203382.3); short protein forms L149I.
Identifiers: ClinVar variation 377239 (VCV000377239.8), dbSNP rs1057520170, ClinGen allele CA16603312.